The following is an entry in ClinVar:

NM_004006.3(DMD):c.5646C>G (p.Tyr1882Ter)

Gene: DMD (dystrophin; minus strand). Cytogenetic location: Xp21.1.
Variant type: single nucleotide variant.
Coding change: c.5646C>G on transcript NM_004006.3 (MANE Select); coding-DNA position 5646, C replaced by G.
Protein change: p.Tyr1882Ter; replaces tyrosine 1882 with a stop codon.
Molecular consequence: nonsense.
Genome position (GRCh38, 1-based): chrX:32,343,227, G>C on the plus strand (C>G on the coding strand, the complement: DMD is on the minus strand). VCF-style: chrX-32343227-G-C. GRCh37 (hg19) VCF-style: chrX-32361344-G-C.
Other names: c.5622C>G, p.Tyr1874Ter (NM_000109.4); c.5634C>G, p.Tyr1878Ter (NM_004009.3); c.5277C>G, p.Tyr1759Ter (NM_004010.3); c.1623C>G, p.Tyr541Ter (NM_004011.4); c.1614C>G, p.Tyr538Ter (NM_004012.4); short protein forms Y1759*, Y1874*, Y1878*, Y1882*, Y538*, Y541*.
Identifiers: ClinVar variation 3340709 (VCV003340709.1), dbSNP rs2097753394.
Genomic context (GRCh38, chrX:32,343,227, plus strand): 5'-GCTGGCTAATTTTTTTTCAATGTCATCCAAGCATTTCAGGAGATCATCAGCCTGCCTCTT[G>C]TACTGATACCACTGATGAGAAATTTCTAGAGCCTTTTTTCTTCTTTGAGACCTCAAATCC-3'

ClinVar aggregate classification (germline): Pathogenic (1 of 4 stars; one submission).

Submission:

GeneDx
Classification: Pathogenic. Last evaluated: 2023-07-17. Review status: criteria provided, single submitter. Criteria: GeneDx Variant Classification Process June 2021. Collection method: clinical testing. Allele origin: germline. Affected: yes.
Comment: Nonsense variant predicted to result in protein truncation or nonsense mediated decay in a gene for which loss of function is a known mechanism of disease; Not observed at significant frequency in large population cohorts (gnomAD); Based on the understanding of this genetic alteration, it may be amenable to nonsense read-through therapy that is currently available or in clinical trial; This variant is associated with the following publications: (PMID: 31081998)